The following is an entry in ClinVar:

NM_000211.5(ITGB2):c.1877+2T>C

Gene: ITGB2 (integrin subunit beta 2; minus strand). Cytogenetic location: 21q22.3.
Variant type: single nucleotide variant.
Coding change: c.1877+2T>C on transcript NM_000211.5 (MANE Select); the canonical splice donor site of the intron after coding-DNA position 1877, T replaced by C.
Molecular consequence: splice donor variant.
Genome position (GRCh38, 1-based): chr21:44,889,274, A>G on the plus strand (T>C on the coding strand, the complement: ITGB2 is on the minus strand). VCF-style: chr21-44889274-A-G. GRCh37 (hg19) VCF-style: chr21-46309189-A-G.
Other names: IVS13+2T>C; c.1877+2T>C (NM_001127491.3); c.1670+2T>C (NM_001303238.2).
Identifiers: ClinVar variation 100748 (VCV000100748.4), dbSNP rs483352818, ClinGen allele CA249760.
Genomic context (GRCh38, chr21:44,889,274, plus strand): 5'-GCTGGGTAGGTGGCCGGGGAGTGGGGATCCCTGCCCGCCCTGCCTGCTCCGCCTGCACTC[A>G]CATGTACTTGCCACAGGGTGAGGGGCAGCCGGGGCACTCCTGGCACAGAGGCAGCTGGTA-3'

ClinVar aggregate classification (germline): Pathogenic (0 of 4 stars; one submission).

Conditions:
Leukocyte adhesion deficiency 1 (LAD1). Also called: LEUKOCYTE ADHESION DEFICIENCY, TYPE I; LAD 1; Lymphocyte function-associated antigen 1 immunodeficiency; LFA 1 immunodeficiency. Identifiers: Orphanet 2968, Orphanet 99842, MedGen C0398738, MONDO:0007293, OMIM 116920.

Allele frequency attached by ClinVar (database versions not stated): gnomAD exomes below 0.00001.
gnomAD v4.1: 1 of 1,612,452 alleles (0.000062%); highest among the groups gnomAD compares: Non-Finnish European, 0.000085%; no homozygotes.

Submission:

Genomic Research Center, Shahid Beheshti University of Medical Sciences
Classification: Pathogenic for Leukocyte adhesion deficiency type 1. Review status: no assertion criteria provided. Collection method: not provided. Allele origin: inherited. Study: Mutation spectra of the ITGB2 gene in Iranian families with leukocyte adhesion deficiency type 1.
ClinVar note: Converted during submission from pathogenic to Pathogenic.